The following is an entry in ClinVar:

NM_004438.5(EPHA4):c.10A>T (p.Ile4Phe)

Gene: EPHA4 (EPH receptor A4; minus strand). Cytogenetic location: 2q36.1.
Variant type: single nucleotide variant.
Coding change: c.10A>T on transcript NM_004438.5 (MANE Select); coding-DNA position 10, A replaced by T.
Protein change: p.Ile4Phe; replaces isoleucine 4 with phenylalanine.
Molecular consequence: missense variant. On other transcripts: 5 prime UTR variant (1).
Genome position (GRCh38, 1-based): chr2:221,572,239, T>A on the plus strand (A>T on the coding strand, the complement: EPHA4 is on the minus strand). VCF-style: chr2-221572239-T-A. GRCh37 (hg19) VCF-style: chr2-222436959-T-A.
Other names: c.10A>T, p.Ile4Phe (NM_001304536.2, NM_001363748.2); c.-76A>T (NM_001304537.2); short protein forms I4F.
Identifiers: ClinVar variation 2977756 (VCV002977756.3), dbSNP rs746371733, ClinGen allele CA350409353.

ClinVar aggregate classification (germline): Uncertain significance (1 of 4 stars; one submission).

Allele frequency attached by ClinVar (database versions not stated): gnomAD exomes below 0.00001.
gnomAD v4.1: 5 of 1,613,528 alleles (0.00031%); highest among the groups gnomAD compares: Non-Finnish European, 0.00042%; no homozygotes.

Submission:

Labcorp Genetics (formerly Invitae), Labcorp
Classification: Uncertain significance. Last evaluated: 2023-03-08. Review status: criteria provided, single submitter. Criteria: Invitae Variant Classification Sherloc (09022015). Collection method: clinical testing. Allele origin: germline.
Comment: This variant is not present in population databases (gnomAD no frequency). In summary, the available evidence is currently insufficient to determine the role of this variant in disease. Therefore, it has been classified as a Variant of Uncertain Significance. An algorithm developed to predict the effect of missense changes on protein structure and function (PolyPhen-2) suggests that this variant is likely to be disruptive. This variant has not been reported in the literature in individuals affected with EPHA4-related conditions. This sequence change replaces isoleucine, which is neutral and non-polar, with phenylalanine, which is neutral and non-polar, at codon 4 of the EPHA4 protein (p.Ile4Phe).